The following is an entry in ClinVar:

ClinVar aggregate classification (germline): Uncertain significance. Review status: criteria provided, multiple submitters, no conflicts (2 of 4 stars). 5 submissions from 5 submitters: Uncertain significance (5). Last evaluated 2026-01-07.

Conditions:
Familial colorectal cancer type X. Identifiers: Orphanet 440437, MedGen C3896578, MONDO:0018604.
Facial dysmorphism-immunodeficiency-livedo-short stature syndrome. Also called: Facial dysmorphism, immunodeficiency, livedo, and short stature; FILS syndrome. Identifiers: Orphanet 352712, MedGen C3554576, MONDO:0014058, OMIM 615139.
Colorectal cancer, susceptibility to, 12 (CRCS12). Also called: COLORECTAL CANCER, SUSCEPTIBILITY TO, ON CHROMOSOME 12q24. Identifiers: Orphanet 220460, MedGen C3554460, MONDO:0014038, OMIM 615083.
Intrauterine growth retardation, metaphyseal dysplasia, adrenal hypoplasia congenita, genital anomalies, and immunodeficiency. Also called: IMAGEI SYNDROME. Identifiers: MedGen C5193036, MONDO:0032684, OMIM 618336.
Hereditary cancer-predisposing syndrome. Also called: Hereditary Cancer Syndrome; Hereditary neoplastic syndrome; Neoplastic Syndromes, Hereditary; Tumor predisposition. Identifiers: Orphanet 140162, MedGen C0027672, MeSH D009386, MONDO:0015356.

Allele frequency attached by ClinVar (database versions not stated): gnomAD exomes below 0.00001 and 0.00002; ExAC 0.00001; TOPMed 0.00001; gnomAD 0.00002; ESP Exome Variant Server 0.00008.
gnomAD v4.1: 26 of 1,614,000 alleles (0.0016%); highest among the groups gnomAD compares: South Asian, 0.0022%; no homozygotes.

Submissions (5):

Labcorp Genetics (formerly Invitae), Labcorp
Classification: Uncertain significance. Last evaluated: 2026-01-07. Review status: criteria provided, single submitter. Criteria: Invitae Variant Classification Sherloc (09022015). Collection method: clinical testing. Allele origin: germline.
Comment: This sequence change replaces tyrosine, which is neutral and polar, with cysteine, which is neutral and slightly polar, at codon 1400 of the POLE protein (p.Tyr1400Cys). This variant is present in population databases (rs370971579, gnomAD 0.0009%). This variant has not been reported in the literature in individuals affected with POLE-related conditions. ClinVar contains an entry for this variant (Variation ID: 405668). Invitae Evidence Modeling of protein sequence and biophysical properties (such as structural, functional, and spatial information, amino acid conservation, physicochemical variation, residue mobility, and thermodynamic stability) indicates that this missense variant is not expected to disrupt POLE protein function with a negative predictive value of 80%. In summary, the available evidence is currently insufficient to determine the role of this variant in disease. Therefore, it has been classified as a Variant of Uncertain Significance.

Ambry Genetics
Classification: Uncertain significance for Hereditary cancer-predisposing syndrome. Last evaluated: 2025-01-09. Review status: criteria provided, single submitter. Criteria: Ambry Variant Classification Scheme 2023. Collection method: clinical testing. Allele origin: germline.
Comment: The p.Y1400C variant (also known as c.4199A>G), located in coding exon 33 of the POLE gene, results from an A to G substitution at nucleotide position 4199. The tyrosine at codon 1400 is replaced by cysteine, an amino acid with highly dissimilar properties. This amino acid position is highly conserved in available vertebrate species. In addition, the in silico prediction for this alteration is inconclusive. Based on the available evidence, the clinical significance of this variant remains unclear.

Fulgent Genetics
Classification: Uncertain significance for Colorectal cancer, susceptibility to, 12; Facial dysmorphism-immunodeficiency-livedo-short stature syndrome; Intrauterine growth retardation, metaphyseal dysplasia, adrenal hypoplasia congenita, genital anomalies, and immunodeficiency. Last evaluated: 2024-01-08. Review status: criteria provided, single submitter. Criteria: ACMG Guidelines, 2015. Collection method: clinical testing. Allele origin: germline.

Department of Pathology and Laboratory Medicine, Sinai Health System
Classification: Uncertain significance for Familial colorectal cancer type X. Last evaluated: 2023-01-24. Review status: criteria provided, single submitter. Criteria: ACMG Guidelines, 2015. Collection method: clinical testing. Allele origin: germline. Affected: yes.

GeneDx
Classification: Uncertain significance. Last evaluated: 2021-03-02. Review status: criteria provided, single submitter. Criteria: GeneDx Variant Classification Process June 2021. Collection method: clinical testing. Allele origin: germline. Affected: yes.
Comment: Not observed at a significant frequency in large population cohorts (Lek 2016); In silico analysis supports that this missense variant has a deleterious effect on protein structure/function; Has not been previously published as pathogenic or benign to our knowledge

NM_006231.4(POLE):c.4199A>G (p.Tyr1400Cys)

Gene: POLE (DNA polymerase epsilon, catalytic subunit; minus strand). Cytogenetic location: 12q24.33.
Variant type: single nucleotide variant.
Coding change: c.4199A>G on transcript NM_006231.4 (MANE Select); coding-DNA position 4199, A replaced by G.
Protein change: p.Tyr1400Cys; replaces tyrosine 1400 with cysteine.
Molecular consequence: missense variant.
Genome position (GRCh38, 1-based): chr12:132,643,928, T>C on the plus strand (A>G on the coding strand, the complement: POLE is on the minus strand). VCF-style: chr12-132643928-T-C. GRCh37 (hg19) VCF-style: chr12-133220514-T-C.
Other names: short protein forms Y1400C.
Identifiers: ClinVar variation 405668 (VCV000405668.14), dbSNP rs370971579, ClinGen allele CA6892945.
Genomic context (GRCh38, chr12:132,643,928, plus strand): 5'-GCTGACAGCTCAGCGTTGATCTCGTTGATGTGTTCCTGGTACATGTCCTCTGGCACTGAA[T>C]ACTCATAGAGATTGTAGACCATGTTGGAGCGAGGAAGGACCCGATTTACCTGGCGAGAAT-3'
Protein context (NP_006222.2, residues 1390-1410): RSNMVYNLYE[Tyr1400Cys]SVPEDMYQEH